The following is an entry in ClinVar:

ClinVar aggregate classification (germline): Conflicting classifications of pathogenicity. Review status: criteria provided, conflicting classifications (1 of 4 stars). 13 submissions from 12 submitters: Uncertain significance (4); Benign (3); Likely benign (4). 2 of the submissions do not count toward it. Last evaluated 2025-11-24.

Conditions:
Hereditary breast ovarian cancer syndrome. Also called: Hereditary breast and ovarian cancer syndrome; Hereditary breast and ovarian cancer; Hereditary breast and ovarian cancer syndrome (HBOC); Breast and ovarian cancer; Hereditary breast and/or ovarian cancer syndrome; BRCA1- and BRCA2-Associated Hereditary Breast and Ovarian Cancer. Identifiers: Orphanet 145, MedGen C0677776, MeSH D061325, MONDO:0003582. Disease mechanism: loss of function.
Fanconi anemia complementation group D1. Also called: BRCA2-Related Fanconi Anemia. Identifiers: Orphanet 319462, MedGen C1838457, MONDO:0011584, OMIM 605724.
Breast-ovarian cancer, familial, susceptibility to, 2 (BROVCA2). Also called: BRCA2 Hereditary Breast and Ovarian Cancer. Identifiers: Orphanet 145, MedGen C2675520, MONDO:0012933, OMIM 612555. Disease mechanism: loss of function.
Hereditary cancer-predisposing syndrome. Also called: Neoplastic Syndromes, Hereditary; Tumor predisposition; Hereditary Cancer Syndrome; Hereditary neoplastic syndrome. Identifiers: Orphanet 140162, MedGen C0027672, MeSH D009386, MONDO:0015356.

Allele frequency attached by ClinVar (database versions not stated): gnomAD exomes 0.00001; TOPMed 0.00001.
gnomAD v4.1: 3 of 1,612,674 alleles (0.00019%); highest among the groups gnomAD compares: Non-Finnish European, 0.00025%; no homozygotes.

Submissions (13):

Labcorp Genetics (formerly Invitae), Labcorp
Classification: Likely benign for Hereditary breast ovarian cancer syndrome. Last evaluated: 2025-11-24. Review status: criteria provided, single submitter. Criteria: Invitae Variant Classification Sherloc (09022015). Collection method: clinical testing. Allele origin: germline.

Women's Health and Genetics/Laboratory Corporation of America, LabCorp
Classification: Uncertain significance. Last evaluated: 2024-06-20. Review status: criteria provided, single submitter. Criteria: LabCorp Variant Classification Summary - May 2015. Collection method: clinical testing. Allele origin: germline.
Comment: Variant summary: BRCA2 c.1247T>G (p.Ile416Ser, also described by its legacy name c.1475T>G in the literature ) results in a non-conservative amino acid change in the encoded protein sequence. Four of five in-silico tools predict a benign effect of the variant on protein function. The variant was absent in 249452 control chromosomes (gnomAD). The available data on variant occurrences in the general population are insufficient to allow any conclusion about variant significance. c.1247T>G has been reported in the literature in individuals affected with breast and/or ovarian cancer without any strong evidence for causality (example: Bhai_2021, Santonocito_2020, Zuntini_2018). These report(s) do not provide unequivocal conclusions about association of the variant with Hereditary Breast and Ovarian Cancer Syndrome. A recent report from the CAGI5 (fifth Critical Assessment of Genome Interpretation) challenge has classified this variant as neutral in a prediction protocol that includes assessment of the impact of this variant on splicing and protein function using four sets of predictors (Padilla_2019). Additionally, a co-segregation analysis also reports this variant to be likely not pathogenic (Zuntini_2018). To our knowledge, no experimental evidence demonstrating an impact on protein function has been reported. The following publications have been ascertained in the context of this evaluation (PMID: 34326862, 31294896, 31112341, 32438681, 16550498, 30254663). ClinVar contains an entry for this variant (Variation ID: 51091). Based on the evidence outlined above, the variant was classified as VUS-possibly benign.

All of Us Research Program, National Institutes of Health
Classification: Benign for Breast-ovarian cancer, familial, susceptibility to, 2. Last evaluated: 2023-12-11. Review status: criteria provided, single submitter. Criteria: ACMG Guidelines, 2015. Collection method: clinical testing. Allele origin: germline. Inheritance: Autosomal dominant inheritance. Observed: 3 variant alleles, 3 heterozygotes.
Comment: This study involves interpretation of variants in research participants for the purpose of population health screening. Participant phenotype was not available at the time of variant classification. Additional details can be found in publication PMID: 35346344, PMCID: PMC8962531

University of Washington Department of Laboratory Medicine, University of Washington
Classification: Likely benign for Hereditary cancer-predisposing syndrome. Last evaluated: 2023-03-23. Review status: criteria provided, single submitter. Criteria: Dines et al. (Genet Med. 2020). Collection method: curation. Allele origin: germline.
Comment: Missense variant in a coldspot region where missense variants are very unlikely to be pathogenic (PMID:31911673).

BRCA2 exon 10 coldspot. Reclassification based on statistical prior probability.

Quest Diagnostics Nichols Institute San Juan Capistrano
Classification: Uncertain significance. Last evaluated: 2020-11-06. Review status: criteria provided, single submitter. Criteria: Quest Diagnostics criteria. Collection method: clinical testing. Allele origin: unknown.

Mendelics
Classification: Likely benign for Breast-ovarian cancer, familial, susceptibility to, 2. Last evaluated: 2019-05-28. Review status: criteria provided, single submitter. Criteria: Mendelics Assertion Criteria 2017. Collection method: clinical testing. Allele origin: unknown.

GeneDx
Classification: Likely benign. Last evaluated: 2019-01-09. Review status: criteria provided, single submitter. Criteria: GeneDx Variant Classification Process June 2021. Collection method: clinical testing. Allele origin: germline. Affected: yes.
Comment: This variant is associated with the following publications: (PMID: 30254663, 16550498)

Illumina Laboratory Services, Illumina
Classification: Uncertain significance for Fanconi anemia complementation group D1. Last evaluated: 2017-04-27. Review status: criteria provided, single submitter. Criteria: ICSL Variant Classification Criteria 13 December 2019. Collection method: clinical testing. Allele origin: germline.

Illumina Laboratory Services, Illumina
Classification: Uncertain significance for Breast-ovarian cancer, familial, susceptibility to, 2. Last evaluated: 2017-04-27. Review status: criteria provided, single submitter. Criteria: ICSL Variant Classification Criteria 13 December 2019. Collection method: clinical testing. Allele origin: germline.
Comment: This variant was observed as part of a predisposition screen in an ostensibly healthy population. A literature search was performed for the gene, cDNA change, and amino acid change (where applicable). Publications were found based on this search. However, the evidence from the literature, in combination with allele frequency data from public databases where available, was not sufficient to rule this variant in or out of causing disease. Therefore, this variant is classified as a variant of unknown significance.

Color Diagnostics, LLC DBA Color Health
Classification: Benign for Hereditary cancer-predisposing syndrome. Last evaluated: 2017-03-21. Review status: criteria provided, single submitter. Criteria: ACMG Guidelines, 2015. Collection method: clinical testing. Allele origin: germline.

Ambry Genetics
Classification: Benign for Hereditary cancer-predisposing syndrome. Last evaluated: 2015-04-27. Review status: criteria provided, single submitter. Criteria: Ambry Variant Classification Scheme 2023. Collection method: clinical testing. Allele origin: germline.

Sharing Clinical Reports Project (SCRP)
Classification: Benign for Breast-ovarian cancer, familial 2. Last evaluated: 2012-07-31. Review status: no assertion criteria provided. Collection method: clinical testing. Allele origin: germline. Not counted in ClinVar's aggregate classification.

Breast Cancer Information Core (BIC) (BRCA2)
Classification: Uncertain significance for Breast-ovarian cancer, familial 2. Last evaluated: 2001-10-29. Review status: no assertion criteria provided. Collection method: clinical testing. Allele origin: germline. Affected: yes. Observed: 1 variant allele. Not counted in ClinVar's aggregate classification.

Literature cited by the submitters: PubMed 16550498 (cited by 3 submitters); PubMed 30254663 (cited by Women's Health and Genetics/Laboratory Corporation of America, LabCorp and Quest Diagnostics Nichols Institute San Juan Capistrano); PubMed 31112341 (cited by Women's Health and Genetics/Laboratory Corporation of America, LabCorp); PubMed 32438681 (cited by Women's Health and Genetics/Laboratory Corporation of America, LabCorp and Quest Diagnostics Nichols Institute San Juan Capistrano); PubMed 31294896 (cited by Women's Health and Genetics/Laboratory Corporation of America, LabCorp); PubMed 34326862 (cited by Women's Health and Genetics/Laboratory Corporation of America, LabCorp).

NM_000059.4(BRCA2):c.1247T>G (p.Ile416Ser)

Gene: BRCA2 (BRCA2 DNA repair associated; plus strand). Cytogenetic location: 13q13.1.
Variant type: single nucleotide variant.
Coding change: c.1247T>G on transcript NM_000059.4 (MANE Select); coding-DNA position 1247, T replaced by G.
Protein change: p.Ile416Ser; replaces isoleucine 416 with serine.
Molecular consequence: missense variant.
Genome position (GRCh38, 1-based): chr13:32,332,725, T>G. VCF-style: chr13-32332725-T-G. GRCh37 (hg19) VCF-style: chr13-32906862-T-G.
Other names: p.I416S:ATT>AGT; short protein forms I416S.
Identifiers: ClinVar variation 51091 (VCV000051091.29), dbSNP rs80358418, ClinGen allele CA011324.